The following is an entry in ClinVar:

NM_006440.5(TXNRD2):c.106G>A (p.Gly36Ser)

Gene: TXNRD2 (thioredoxin reductase 2; minus strand). Cytogenetic location: 22q11.21.
Variant type: single nucleotide variant.
Coding change: c.106G>A on transcript NM_006440.5 (MANE Select); coding-DNA position 106, G replaced by A.
Protein change: p.Gly36Ser; replaces glycine 36 with serine.
Molecular consequence: missense variant. On other transcripts: 5 prime UTR variant (1), non-coding transcript variant (1), splice acceptor variant (1).
Genome position (GRCh38, 1-based): chr22:19,931,096, C>T on the plus strand (G>A on the coding strand, the complement: TXNRD2 is on the minus strand). VCF-style: chr22-19931096-C-T. GRCh37 (hg19) VCF-style: chr22-19918619-C-T.
Other names: c.106G>A, p.Gly36Ser (NM_001282512.3); c.16G>A, p.Gly6Ser (NM_001352301.2); c.-183G>A (NM_001352302.2); c.10G>A, p.Gly4Ser (NM_001352303.2); c.104-1G>A (NM_001352300.2); short protein forms G4S, G36S, G6S.
Identifiers: ClinVar variation 4194436 (VCV004194436.1).

ClinVar aggregate classification (germline): Uncertain significance (1 of 4 stars; one submission).

Conditions:
Cardiovascular phenotype. Identifiers: MedGen CN230736.

Submission:

Ambry Genetics
Classification: Uncertain significance for Cardiovascular phenotype. Last evaluated: 2025-09-04. Review status: criteria provided, single submitter. Criteria: Ambry Variant Classification Scheme 2023. Collection method: clinical testing. Allele origin: germline.
Comment: The p.G36S variant (also known as c.106G>A), located in coding exon 2 of the TXNRD2 gene, results from a G to A substitution at nucleotide position 106. The glycine at codon 36 is replaced by serine, an amino acid with similar properties. This amino acid position is conserved. In addition, this alteration is predicted to be tolerated by in silico analysis. Based on the available evidence, the clinical significance of this variant remains unclear.